The following is an entry in ClinVar:

NM_000141.5(FGFR2):c.2395dup (p.Ser799fs)

Gene: FGFR2 (fibroblast growth factor receptor 2; minus strand). Cytogenetic location: 10q26.13.
Variant type: Duplication.
Coding change: c.2395dup on transcript NM_000141.5 (MANE Select); coding-DNA position 2395, one base duplicated (T; older notation c.2395dupT).
Protein change: p.Ser799fs; shifts the reading frame from serine 799.
Molecular consequence: frameshift variant. On other transcripts: non-coding transcript variant (1), intron variant (1).
Genome position (GRCh38, 1-based): chr10:121,479,928, A duplicated on the plus strand (T on the coding strand, the reverse complement: FGFR2 is on the minus strand); the first of 6 consecutive A bases (chr10:121,479,928-121,479,933); duplicating any one gives the same sequence. VCF-style (leftmost placement, unchanged base first): chr10-121479927-G-GA. GRCh37 (hg19) VCF-style: chr10-123239441-G-GA.
Other names: c.2059dup, p.Ser687fs (NM_001144914.1); c.2050dup, p.Ser684fs (NM_001144916.2); c.2047dup, p.Ser683fs (NM_001144917.2); c.2044dup, p.Ser682fs (NM_001144918.2); c.1711dup, p.Ser571fs (NM_001320654.2); c.2389dup, p.Ser797fs (NM_001320658.2); c.2398dup, p.Ser800fs (NM_022970.4); c.2123dup, p.Ser710Phefs (NM_023029.3); and 1 more; short protein forms S571fs, S682fs, S683fs, S684fs, S687fs, S710fs, S797fs, S799fs.
Identifiers: ClinVar variation 1051971 (VCV001051971.7), dbSNP rs2133681563, ClinGen allele CA2499220178.

ClinVar aggregate classification (germline): Uncertain significance (1 of 4 stars; one submission).

Conditions:
FGFR2-related craniosynostosis. Identifiers: MedGen CN231480.

Submission:

Labcorp Genetics (formerly Invitae), Labcorp
Classification: Uncertain significance for FGFR2-related craniosynostosis. Last evaluated: 2021-04-28. Review status: criteria provided, single submitter. Criteria: Invitae Variant Classification Sherloc (09022015). Collection method: clinical testing. Allele origin: germline.
Comment: Experimental studies and prediction algorithms are not available or were not evaluated, and the functional significance of this variant is currently unknown. This variant has not been reported in the literature in individuals with FGFR2-related conditions. This variant is not present in population databases (ExAC no frequency). This sequence change results in a premature translational stop signal in the FGFR2 gene (p.Ser799Phefs*22). While this is not anticipated to result in nonsense mediated decay, it is expected to disrupt the last 23 amino acids of the FGFR2 protein. In summary, the available evidence is currently insufficient to determine the role of this variant in disease. Therefore, it has been classified as a Variant of Uncertain Significance.